The following is an entry in ClinVar:

NM_025136.4(OPA3):c.374A>T (p.Glu125Val)

Genes: OPA3 (outer mitochondrial membrane lipid metabolism regulator OPA3; minus strand), OPA3-RTN2 (OPA3-RTN2 readthrough; minus strand). Cytogenetic location: 19q13.32.
Variant type: single nucleotide variant.
Coding change: c.374A>T on transcript NM_025136.4 (MANE Select); coding-DNA position 374, A replaced by T.
Protein change: p.Glu125Val; replaces glutamic acid 125 with valine.
Molecular consequence: missense variant. On other transcripts: intron variant (1).
Genome position (GRCh38, 1-based): chr19:45,553,680, T>A on the plus strand (A>T on the coding strand, the complement: OPA3 is on the minus strand). VCF-style: chr19-45553680-T-A. GRCh37 (hg19) VCF-style: chr19-46056938-T-A.
Other names: c.143-24224A>T (NM_001017989.3); short protein forms E125V.
Identifiers: ClinVar variation 1943527 (VCV001943527.5), dbSNP rs2513823839, ClinGen allele CA406370327.
Genomic context (GRCh38, chr19:45,553,680, plus strand): 5'-GGCGGCGCCGCCTGCACCTGCGCCTGCAGCGCTTCCAGCGCCAGCGCCAGGTGGCCCACC[T>A]CGTCCCGCAGCGCGTTCCAGGCAGCACGCTGCTCCTCCTCCTTGTGGCGCTGCTGCGCCT-3'
Protein context (NP_079412.1, residues 115-135): QRAAWNALRD[Glu125Val]VGHLALALEA

ClinVar aggregate classification (germline): Uncertain significance (1 of 4 stars; one submission).

Conditions:
Optic atrophy 3 (OPA3). Also called: Optic atrophy, cataract, and neurologic disorder; OPTIC ATROPHY 3, AUTOSOMAL DOMINANT; Optic atrophy 3 with cataract. Identifiers: Orphanet 67036, MedGen C1833809, MONDO:0008133, OMIM 165300.
3-Methylglutaconic aciduria type 3 (MGCA3). Also called: OPA3, AUTOSOMAL RECESSIVE; OPTIC ATROPHY 3, AUTOSOMAL RECESSIVE; OPA3-Related 3-Methylglutaconic Aciduria; Costeff Syndrome. Identifiers: Orphanet 67047, MedGen C0574084, MONDO:0009787, OMIM 258501.

Submission:

Labcorp Genetics (formerly Invitae), Labcorp
Classification: Uncertain significance for 3-Methylglutaconic aciduria type 3; Optic atrophy 3. Last evaluated: 2022-09-27. Review status: criteria provided, single submitter. Criteria: Invitae Variant Classification Sherloc (09022015). Collection method: clinical testing. Allele origin: germline.
Comment: In summary, the available evidence is currently insufficient to determine the role of this variant in disease. Therefore, it has been classified as a Variant of Uncertain Significance. This variant has not been reported in the literature in individuals affected with OPA3-related conditions. Algorithms developed to predict the effect of missense changes on protein structure and function are either unavailable or do not agree on the potential impact of this missense change (SIFT: "Tolerated"; PolyPhen-2: "Probably Damaging"; Align-GVGD: "Class C0"). This sequence change replaces glutamic acid, which is acidic and polar, with valine, which is neutral and non-polar, at codon 125 of the OPA3 protein (p.Glu125Val). This variant is not present in population databases (gnomAD no frequency).